The following is an entry in ClinVar:

ClinVar aggregate classification (germline): Uncertain significance (1 of 4 stars; one submission).

Submission:

Labcorp Genetics (formerly Invitae), Labcorp
Classification: Uncertain significance. Last evaluated: 2022-03-09. Review status: criteria provided, single submitter. Criteria: Invitae Variant Classification Sherloc (09022015). Collection method: clinical testing. Allele origin: germline.
Comment: In summary, the available evidence is currently insufficient to determine the role of this variant in disease. Therefore, it has been classified as a Variant of Uncertain Significance. Experimental studies and prediction algorithms are not available or were not evaluated, and the functional significance of this variant is currently unknown. This variant has not been reported in the literature in individuals affected with CDH23-related conditions. This variant is a gross deletion of the genomic region encompassing exon(s) 70 of the CDH23 gene, which includes the termination codon. This deletion extends beyond the assayed region for this gene and therefore may encompass additional genes. While this deletion is not anticipated to lead to nonsense mediated decay, it is expected to alter mRNA translation or result in a truncated protein product.

NC_000010.10:g.(?_73574689)_(73610978_?)del

Genes: CDH23 (cadherin related 23; plus strand), PSAP (prosaposin; minus strand). Cytogenetic location: 10q22.1.
Variant type: Deletion.
Identifiers: ClinVar variation 1447320 (VCV001447320.7).